The following is an entry in ClinVar:

NM_018060.4(IARS2):c.268-8T>A

Gene: IARS2 (isoleucyl-tRNA synthetase 2, mitochondrial; plus strand). Cytogenetic location: 1q41.
Variant type: single nucleotide variant.
Coding change: c.268-8T>A on transcript NM_018060.4 (MANE Select); 8 bases into the intron before coding-DNA position 268, T replaced by A.
Molecular consequence: intron variant.
Genome position (GRCh38, 1-based): chr1:220,096,096, T>A. VCF-style: chr1-220096096-T-A. GRCh37 (hg19) VCF-style: chr1-220269438-T-A.
Identifiers: ClinVar variation 764406 (VCV000764406.16), dbSNP rs201594568, ClinGen allele CA1401079.
Genomic context (GRCh38, chr1:220,096,096, plus strand): 5'-TATTTATGGTTAGACTCAGGAGTATGTATTTATATGATGTTTAGATATCTTTTTTTTTTT[T>A]AAAACAGAAATGTGGATTTTCAGAACTTTATTCATGGCAAAGAGAAAGAAAAGTAAAGAC-3'

ClinVar aggregate classification (germline): Likely benign. Review status: criteria provided, multiple submitters, no conflicts (2 of 4 stars). 3 submissions from 3 submitters: Likely benign (3). Last evaluated 2026-01-20.

Allele frequency attached by ClinVar (database versions not stated): gnomAD exomes 0.00020 and 0.00028; ExAC 0.00021; TOPMed 0.00033; gnomAD 0.00034 and 0.00038; 1000 Genomes Project 0.00040.
gnomAD v4.1: 301 of 1,334,420 alleles (0.023%); highest among the groups gnomAD compares: African/African-American, 0.06%; no homozygotes.

Submissions (3):

Labcorp Genetics (formerly Invitae), Labcorp
Classification: Likely benign. Last evaluated: 2026-01-20. Review status: criteria provided, single submitter. Criteria: Invitae Variant Classification Sherloc (09022015). Collection method: clinical testing. Allele origin: germline.

CeGaT Center for Human Genetics Tuebingen
Classification: Likely benign. Last evaluated: 2025-10-01. Review status: criteria provided, single submitter. Criteria: CeGaT Center For Human Genetics Tuebingen Variant Classification Criteria Version 2. Collection method: clinical testing. Allele origin: germline. Affected: yes. Observed: 1 variant allele.
Comment: IARS2: PM2:Supporting, BP4, BP7

Breakthrough Genomics
Classification: Likely benign. Review status: criteria provided, single submitter. Criteria: ACMG Guidelines, 2015. Collection method: not provided. Allele origin: germline. Inheritance: Autosomal recessive inheritance. Affected: yes.